The following is an entry in ClinVar:

ClinVar aggregate classification (germline): Pathogenic/Likely pathogenic. Review status: criteria provided, multiple submitters, no conflicts (2 of 4 stars). 3 submissions from 3 submitters: Pathogenic (1); Likely pathogenic (2). Last evaluated 2025-09-10.

Conditions:
Sphingolipid activator protein 1 deficiency. Also called: Saposin B Deficiency; Metachromatic leukodystrophy due to saposin B deficiency; METACHROMATIC LEUKODYSTROPHY DUE TO CEREBROSIDE SULFATASE ACTIVATOR DEFICIENCY. Identifiers: Orphanet 512, MedGen C0268262, MONDO:0009590, OMIM 249900.
Parkinson disease 24, autosomal dominant, susceptibility to. Identifiers: MedGen C5561969, MONDO:0859183, OMIM 619491.

Submissions (3):

Genomic Medicine Center of Excellence, King Faisal Specialist Hospital and Research Centre
Classification: Likely pathogenic for Parkinson disease 24, autosomal dominant, susceptibility to. Last evaluated: 2025-09-10. Review status: criteria provided, single submitter. Criteria: ACMG Guidelines, 2015. Collection method: clinical testing. Allele origin: germline.

Revvity Omics, Revvity
Classification: Likely pathogenic. Last evaluated: 2025-04-07. Review status: criteria provided, single submitter. Criteria: ACMG Guidelines, 2015. Collection method: clinical testing. Allele origin: germline.

Labcorp Genetics (formerly Invitae), Labcorp
Classification: Pathogenic for Sphingolipid activator protein 1 deficiency. Last evaluated: 2021-02-19. Review status: criteria provided, single submitter. Criteria: Invitae Variant Classification Sherloc (09022015). Collection method: clinical testing. Allele origin: germline.
Comment: This variant is not present in population databases (ExAC no frequency). This sequence change affects the initiator methionine of the PSAP mRNA. The next in-frame methionine is located at codon 76. Disruption of the initiator codon has been observed in individual(s) with saposin C deficiency (PMID: 17616409, 20484222, 1371116). Disruption of the initiator codon has been demonstrated to severely reduce the expression of the PSAP protein in cell culture and patient cells (PMID: 20484222). For these reasons, this variant has been classified as Pathogenic.

Literature cited by the submitters: PubMed 17616409 (cited by Labcorp Genetics (formerly Invitae), Labcorp); PubMed 20484222 (cited by Labcorp Genetics (formerly Invitae), Labcorp); PubMed 1371116 (cited by Labcorp Genetics (formerly Invitae), Labcorp).

NM_002778.4(PSAP):c.2T>G (p.Met1Arg)

Gene: PSAP (prosaposin; minus strand). Cytogenetic location: 10q22.1.
Variant type: single nucleotide variant.
Coding change: c.2T>G on transcript NM_002778.4 (MANE Select); coding-DNA position 2, T replaced by G.
Protein change: p.Met1Arg; changes the start codon (methionine 1).
Molecular consequence: missense variant, initiator codon variant.
Genome position (GRCh38, 1-based): chr10:71,851,220, A>C on the plus strand (T>G on the coding strand, the complement: PSAP is on the minus strand). VCF-style: chr10-71851220-A-C. GRCh37 (hg19) VCF-style: chr10-73610977-A-C.
Other names: c.2T>G, p.Met1Arg (NM_001042465.3, NM_001042466.3); short protein forms M1R.
Identifiers: ClinVar variation 1075794 (VCV001075794.12), dbSNP rs767713908, ClinGen allele CA377159646.
Genomic context (GRCh38, chr10:71,851,220, plus strand): 5'-GGATGAGGGTCCCAGGGCTTACCCGCGCCCAGGAGGCTGGCCAGGAGGAAGAGGGCGTAC[A>C]TAGCGCCGTCTGACTCCGCAGTCTGCAATGCGGAGCGTCAGCTGATCCCCCGCAGATATA-3'
Protein context (NP_002769.1, residues 1-11): [Met1Arg]YALFLLASLL